The following is an entry in ClinVar:

ClinVar aggregate classification (germline): Uncertain significance (1 of 4 stars; one submission).

Allele frequency attached by ClinVar (database versions not stated): gnomAD exomes below 0.00001.

Submission:

GeneDx
Classification: Uncertain significance. Last evaluated: 2023-04-27. Review status: criteria provided, single submitter. Criteria: GeneDx Variant Classification Process June 2021. Collection method: clinical testing. Allele origin: germline. Affected: yes.
Comment: Not observed at significant frequency in large population cohorts (gnomAD); In silico analysis supports that this missense variant has a deleterious effect on protein structure/function; Has not been previously published as pathogenic or benign to our knowledge; Variants in candidate genes are classified as variants of uncertain significance in accordance with ACMG guidelines (Richards et al., 2015)

NM_012247.5(SEPHS1):c.808G>A (p.Gly270Arg)

Gene: SEPHS1 (selenophosphate synthetase 1; minus strand). Cytogenetic location: 10p13.
Variant type: single nucleotide variant.
Coding change: c.808G>A on transcript NM_012247.5 (MANE Select); coding-DNA position 808, G replaced by A.
Protein change: p.Gly270Arg; replaces glycine 270 with arginine.
Molecular consequence: missense variant. On other transcripts: non-coding transcript variant (1), intron variant (1).
Genome position (GRCh38, 1-based): chr10:13,322,991, C>T on the plus strand (G>A on the coding strand, the complement: SEPHS1 is on the minus strand). VCF-style: chr10-13322991-C-T. GRCh37 (hg19) VCF-style: chr10-13364991-C-T.
Other names: c.607G>A, p.Gly203Arg (NM_001195602.2); c.802G>A, p.Gly268Arg (NM_001375769.1); c.752-3635G>A (NM_001195604.2); short protein forms G203R, G268R, G270R.
Identifiers: ClinVar variation 3253433 (VCV003253433.1), dbSNP rs2131687420.
Genomic context (GRCh38, chr10:13,322,991, plus strand): 5'-TTACAAACGACACCTCGTTCCTCTGCTGCTTGGCCAGGTTCTGCGCATGGCCCAAAATCC[C>T]GAAGCCCGTGATGTCAGTGGCGGCGTGGGCATTGAACGTGTGCATGAGTCCTGCAGCTGG-3'
Protein context (NP_036379.2, residues 260-280): AHAATDITGF[Gly270Arg]ILGHAQNLAK